The following is an entry in ClinVar:

NM_001379291.1(BRD4):c.136C>T (p.Pro46Ser)

Gene: BRD4 (bromodomain containing 4; minus strand). Cytogenetic location: 19p13.12.
Variant type: single nucleotide variant.
Coding change: c.136C>T on transcript NM_001379291.1 (MANE Select); coding-DNA position 136, C replaced by T.
Protein change: p.Pro46Ser; replaces proline 46 with serine.
Molecular consequence: missense variant.
Genome position (GRCh38, 1-based): chr19:15,272,964, G>A on the plus strand (C>T on the coding strand, the complement: BRD4 is on the minus strand). VCF-style: chr19-15272964-G-A. GRCh37 (hg19) VCF-style: chr19-15383775-G-A.
Other names: c.136C>T, p.Pro46Ser (NM_001330384.2, NM_001379292.1, NM_014299.3 and 1 more transcripts); short protein forms P46S.
Identifiers: ClinVar variation 3675085 (VCV003675085.2).

ClinVar aggregate classification (germline): Uncertain significance (1 of 4 stars; one submission).

gnomAD v4.1: 5 of 1,614,104 alleles (0.00031%); highest among the groups gnomAD compares: Non-Finnish European, 0.00042%; no homozygotes.

Submission:

Labcorp Genetics (formerly Invitae), Labcorp
Classification: Uncertain significance. Last evaluated: 2024-05-09. Review status: criteria provided, single submitter. Criteria: Invitae Variant Classification Sherloc (09022015). Collection method: clinical testing. Allele origin: germline.
Comment: This sequence change replaces proline, which is neutral and non-polar, with serine, which is neutral and polar, at codon 46 of the BRD4 protein (p.Pro46Ser). This variant is present in population databases (no rsID available, gnomAD 0.007%). This variant has not been reported in the literature in individuals affected with BRD4-related conditions. Advanced modeling of protein sequence and biophysical properties (such as structural, functional, and spatial information, amino acid conservation, physicochemical variation, residue mobility, and thermodynamic stability) performed at Invitae indicates that this missense variant is not expected to disrupt BRD4 protein function with a negative predictive value of 80%. In summary, the available evidence is currently insufficient to determine the role of this variant in disease. Therefore, it has been classified as a Variant of Uncertain Significance.